The following is an entry in ClinVar:

ClinVar aggregate classification (germline): Pathogenic (1 of 4 stars; one submission).

Conditions:
Hereditary breast ovarian cancer syndrome. Also called: Hereditary breast and ovarian cancer syndrome; Hereditary breast and ovarian cancer; BRCA1- and BRCA2-Associated Hereditary Breast and Ovarian Cancer; Hereditary breast and/or ovarian cancer syndrome; Hereditary breast and ovarian cancer syndrome (HBOC); Breast and ovarian cancer. Identifiers: Orphanet 145, MedGen C0677776, MeSH D061325, MONDO:0003582. Disease mechanism: loss of function.

Submission:

Labcorp Genetics (formerly Invitae), Labcorp
Classification: Pathogenic for Hereditary breast ovarian cancer syndrome. Last evaluated: 2021-04-14. Review status: criteria provided, single submitter. Criteria: Invitae Variant Classification Sherloc (09022015). Collection method: clinical testing. Allele origin: germline.
Comment: This sequence change creates a premature translational stop signal (p.Gln1356Argfs*10) in the BRCA1 gene. It is expected to result in an absent or disrupted protein product. Loss-of-function variants in BRCA1 are known to be pathogenic (PMID: 20104584). This variant is not present in population databases (ExAC no frequency). This variant has not been reported in the literature in individuals with BRCA1-related conditions. For these reasons, this variant has been classified as Pathogenic.

Literature cited by the submitters: PubMed 20104584.

NM_007294.4(BRCA1):c.4067_4071del (p.Gln1356fs)

Genes: BRCA1 (BRCA1 DNA repair associated; minus strand), LOC126862571 (BRD4-independent group 4 enhancer GRCh37_chr17:41243136-41244335; plus strand). Cytogenetic location: 17q21.31.
Variant type: Deletion.
Coding change: c.4067_4071del on transcript NM_007294.4 (MANE Select); coding-DNA positions 4067 to 4071, 5 bases deleted (AAGAA; older notation c.4067_4071delAAGAA).
Protein change: p.Gln1356fs; shifts the reading frame from glutamine 1356.
Molecular consequence: frameshift variant. On other transcripts: intron variant (135).
Genome position (GRCh38, 1-based): chr17:43,091,460-43,091,464, TTCTT deleted on the plus strand (AAGAA on the coding strand, the reverse complement: BRCA1 is on the minus strand). VCF-style (leftmost placement, unchanged base first): chr17-43091459-CTTCTT-C. GRCh37 (hg19) VCF-style: chr17-41243476-CTTCTT-C.
Other names: c.3854_3858del, p.Gln1285fs (NM_001407571.1, NM_001407853.1, NM_001407894.1 and 9 more transcripts); c.4067_4071del, p.Gln1356fs (NM_001407581.1, NM_001407582.1, NM_001407583.1 and 30 more transcripts); c.4064_4068del, p.Gln1355fs (NM_001407587.1, NM_001407590.1, NM_001407591.1 and 22 more transcripts); c.4058_4062del, p.Gln1353fs (NM_001407646.1, NM_001407647.1); c.3944_3948del, p.Gln1315fs (NM_001407648.1, NM_001407664.1, NM_001407665.1 and 19 more transcripts); c.3941_3945del, p.Gln1314fs (NM_001407649.1, NM_001407670.1, NM_001407671.1 and 11 more transcripts); c.3989_3993del, p.Gln1330fs (NM_001407653.1, NM_001407654.1, NM_001407655.1 and 4 more transcripts); c.3986_3990del, p.Gln1329fs (NM_001407659.1, NM_001407660.1, NM_001407661.1 and 1 more transcripts); and 41 more; short protein forms Q1356fs, Q1309fs, Q1188fs, Q1267fs, Q1268fs, Q1285fs, Q1286fs, Q1315fs.
Identifiers: ClinVar variation 1385826 (VCV001385826.7), dbSNP rs2154266021, ClinGen allele CA2573154018.
Genomic context (GRCh38, chr17:43,091,459, plus strand): 5'-TAGACTGGGGCAAACACAAAAACCTGGTTCCAATACCTAAGTTTGAATCCATGCTTTGCT[CTTCTT>C]GATTATTTTCTTCCAAGCCCGTTCCTCTTTCTTCATCATCTGAAACCAATTCCTTGTCAC-3'